The following is an entry in ClinVar:

ClinVar aggregate classification (germline): Likely benign. Review status: criteria provided, multiple submitters, no conflicts (2 of 4 stars). 4 submissions from 4 submitters: Likely benign (4). Last evaluated 2026-04-01.

Conditions:
MED13L-related disorder. Also called: MED13L-related condition.
Dextro-looped transposition of the great arteries. Also called: Dextrotransposition of the great arteries. Identifiers: Orphanet 860, MedGen C3531771, MONDO:0019443, OMIM 608808, HP:0031348.

Allele frequency attached by ClinVar (database versions not stated): ESP Exome Variant Server 0.00015; gnomAD exomes 0.00018 and 0.00019; ExAC 0.00025; gnomAD 0.00045 and 0.00048; TOPMed 0.00074; 1000 Genomes Project 0.00080; 1000 Genomes Project 30x 0.00094.
gnomAD v4.1: 351 of 1,612,014 alleles (0.022%); highest among the groups gnomAD compares: Admixed American, 0.1%; 1 homozygote.

Submissions (4):

CeGaT Center for Human Genetics Tuebingen
Classification: Likely benign. Last evaluated: 2026-04-01. Review status: criteria provided, single submitter. Criteria: CeGaT Center For Human Genetics Tuebingen Variant Classification Criteria Version 2. Collection method: clinical testing. Allele origin: germline. Affected: yes. Observed: 2 variant alleles.
Comment: MED13L: BP4, BS1

Labcorp Genetics (formerly Invitae), Labcorp
Classification: Likely benign for Dextro-looped transposition of the great arteries. Last evaluated: 2025-12-28. Review status: criteria provided, single submitter. Criteria: Invitae Variant Classification Sherloc (09022015). Collection method: clinical testing. Allele origin: germline.

PreventionGenetics, part of Exact Sciences
Classification: Likely benign for MED13L-related condition. Last evaluated: 2025-07-10. Review status: criteria provided, single submitter. Criteria: ACMG Guidelines, 2015. Collection method: clinical testing. Allele origin: germline.
Comment: This variant is classified as likely benign based on ACMG/AMP sequence variant interpretation guidelines (Richards et al. 2015 PMID: 25741868, with internal and published modifications).

GeneDx
Classification: Likely benign. Last evaluated: 2021-06-23. Review status: criteria provided, single submitter. Criteria: GeneDx Variant Classification Process June 2021. Collection method: clinical testing. Allele origin: germline. Affected: yes.

NM_015335.5(MED13L):c.73-7T>C

Gene: MED13L (mediator complex subunit 13L; minus strand). Cytogenetic location: 12q24.21.
Variant type: single nucleotide variant.
Coding change: c.73-7T>C on transcript NM_015335.5 (MANE Select); 7 bases into the intron before coding-DNA position 73, T replaced by C.
Molecular consequence: intron variant.
Genome position (GRCh38, 1-based): chr12:116,237,712, A>G on the plus strand (T>C on the coding strand, the complement: MED13L is on the minus strand). VCF-style: chr12-116237712-A-G. GRCh37 (hg19) VCF-style: chr12-116675517-A-G.
Identifiers: ClinVar variation 533130 (VCV000533130.24), dbSNP rs199550041, ClinGen allele CA6811827.